The following is an entry in ClinVar:

ClinVar aggregate classification (germline): Uncertain significance (1 of 4 stars; one submission).

Conditions:
Early Myoclonic Encephalopathy. Identifiers: MedGen C0270855.

Allele frequency attached by ClinVar (database versions not stated): gnomAD exomes below 0.00001.
gnomAD v4.1: 1 of 1,613,776 alleles (0.000062%); highest among the groups gnomAD compares: Non-Finnish European, 0.000085%; no homozygotes.

Submission:

Labcorp Genetics (formerly Invitae), Labcorp
Classification: Uncertain significance for Early Myoclonic Encephalopathy. Last evaluated: 2022-11-08. Review status: criteria provided, single submitter. Criteria: Invitae Variant Classification Sherloc (09022015). Collection method: clinical testing. Allele origin: germline.
Comment: This sequence change replaces serine, which is neutral and polar, with tyrosine, which is neutral and polar, at codon 1967 of the JMJD1C protein (p.Ser1967Tyr). This variant is present in population databases (no rsID available, gnomAD 0.0009%). In summary, the available evidence is currently insufficient to determine the role of this variant in disease. Therefore, it has been classified as a Variant of Uncertain Significance. Algorithms developed to predict the effect of sequence changes on RNA splicing suggest that this variant may disrupt the consensus splice site. Advanced modeling of protein sequence and biophysical properties (such as structural, functional, and spatial information, amino acid conservation, physicochemical variation, residue mobility, and thermodynamic stability) performed at Invitae indicates that this missense variant is expected to disrupt JMJD1C protein function. This variant has not been reported in the literature in individuals affected with JMJD1C-related conditions.

NM_032776.3(JMJD1C):c.5900C>A (p.Ser1967Tyr)

Gene: JMJD1C (jumonji domain containing 1C; minus strand). Cytogenetic location: 10q21.3.
Variant type: single nucleotide variant.
Coding change: c.5900C>A on transcript NM_032776.3 (MANE Select); coding-DNA position 5900, C replaced by A.
Protein change: p.Ser1967Tyr; replaces serine 1967 with tyrosine.
Molecular consequence: missense variant.
Genome position (GRCh38, 1-based): chr10:63,193,114, G>T on the plus strand (C>A on the coding strand, the complement: JMJD1C is on the minus strand). VCF-style: chr10-63193114-G-T. GRCh37 (hg19) VCF-style: chr10-64952874-G-T.
Other names: c.5354C>A, p.Ser1785Tyr (NM_001282948.2, NM_001318154.2); c.5036C>A, p.Ser1679Tyr (NM_001318153.2); c.5786C>A, p.Ser1929Tyr (NM_001322252.2); c.5243C>A, p.Ser1748Tyr (NM_001322254.2, NM_001322258.2); short protein forms S1748Y, S1679Y, S1785Y, S1929Y, S1967Y.
Identifiers: ClinVar variation 3021347 (VCV003021347.3), dbSNP rs1414946704, ClinGen allele CA377026698.